The following is an entry in ClinVar:

ClinVar aggregate classification (germline): Uncertain significance. Review status: criteria provided, single submitter (1 of 4 stars). 2 submissions from 2 submitters: Uncertain significance (1). 1 of the submissions does not count toward it. Last evaluated 2025-10-02.

Conditions:
Hereditary hemolytic uremic syndrome. Also called: Genetic hemolytic uremic syndrome. Identifiers: Orphanet 576742, MedGen C5680355, MONDO:0957097.
Factor H deficiency (CFHD). Also called: COMPLEMENT FACTOR H DEFICIENCY; CFH DEFICIENCY. Identifiers: Orphanet 200421, MedGen C0398777, MONDO:0012350, OMIM 609814.

Submissions (2):

Genomenon, Inc
Classification: Uncertain significance for Factor H deficiency. Last evaluated: 2025-10-02. Review status: criteria provided, single submitter. Criteria: Genomenon Sequence Variant Interpretation Standards - Updated. Collection method: curation. Allele origin: germline. Affected: yes.
Comment: CFH p.Gly403Arg (c.1207G>C) is a missense variant that changes the amino acid at residue 403 from Glycine to Arginine. This variant has been observed in at least one proband affected with complement factor H deficiency (PMID:30595568). It is absent or not present at a significant frequency in gnomAD. In silico models agree that this variant is not damaging. In conclusion, we classify CFH p.Gly403Arg (c.1207G>C) as a variant of uncertain significance.

Clinical Genetics and Genomics Laboratory, Noor Shahriyar Hospital
Classification: Likely pathogenic for Hereditary hemolytic uremic syndrome. Last evaluated: 2018-11-09. Review status: no assertion criteria provided. Collection method: research. Allele origin: unknown. Affected: yes. Not counted in ClinVar's aggregate classification.
Comment: A combination of the splice site mutation (IVS9-3 T > C) and the missense mutation NM_000186.4 c.1207G>C (p.G403R) in CFH gene in heterozygote state is likely associated with the disease. Based on ACMG criteria, the variation c.1204C>T (p.H402Y) (one aa before the current variation) is classified as a benign variation. However, the association of the splice site mutation (IVS9-3 T > C) has already been reported with p.H402Y in heterozygote state has already been reported.

Variant c.1207G>C (in CFH gene) was first seen in persian population with Complement C3 glomerulopathy (PMID: 30595568)

Literature cited by the submitters: PubMed 30595568 (cited by Genomenon, Inc and Clinical Genetics and Genomics Laboratory, Noor Shahriyar Hospital).

NM_000186.4(CFH):c.1207G>C (p.Gly403Arg)

Gene: CFH (complement factor H; plus strand). Cytogenetic location: 1q31.3.
Variant type: single nucleotide variant.
Coding change: c.1207G>C on transcript NM_000186.4 (MANE Select); coding-DNA position 1207, G replaced by C.
Protein change: p.Gly403Arg; replaces glycine 403 with arginine.
Molecular consequence: missense variant.
Genome position (GRCh38, 1-based): chr1:196,690,110, G>C. VCF-style: chr1-196690110-G-C. GRCh37 (hg19) VCF-style: chr1-196659240-G-C.
Other names: c.1207G>C, p.Gly403Arg (NM_001014975.3); short protein forms G403R.
Identifiers: ClinVar variation 3384166 (VCV003384166.2).